The following is an entry in ClinVar:

ClinVar aggregate classification (germline): Pathogenic (1 of 4 stars; one submission).

Submission:

CeGaT Center for Human Genetics Tuebingen
Classification: Pathogenic. Last evaluated: 2026-09-01. Review status: criteria provided, single submitter. Criteria: CeGaT Center For Human Genetics Tuebingen Variant Classification Criteria Version 2. Collection method: clinical testing. Allele origin: germline. Affected: yes. Observed: 1 variant allele.
Comment: MDH2: PVS1, PM2

NM_005918.4(MDH2):c.733+2_733+13del

Gene: MDH2 (malate dehydrogenase 2; plus strand). Cytogenetic location: 7q11.23.
Variant type: Deletion.
Coding change: c.733+2_733+13del on transcript NM_005918.4 (MANE Select); the canonical splice donor site of the intron after coding-DNA position 733 through 13 bases into the intron after coding-DNA position 733, 12 bases deleted (TAGAGTCTCAGG).
Molecular consequence: splice donor variant.
Genome position (GRCh38, 1-based): chr7:76,064,440-76,064,451, TAGAGTCTCAGG deleted; deleting any 12 consecutive bases within chr7:76,064,436-76,064,451 gives the same sequence; the c. name uses the placement nearest the transcript's 3' end. VCF-style (leftmost placement, unchanged base first): chr7-76064435-GCAGGTAGAGTCT-G. GRCh37 (hg19) VCF-style: chr7-75693753-GCAGGTAGAGTCT-G.
Other names: c.607+2_607+13del (NM_001282403.2); c.412+2_412+13del (NM_001282404.2).
Identifiers: ClinVar variation 5041858 (VCV005041858.1).